The following is an entry in ClinVar:

NM_001282531.3(ADNP):c.2494A>C (p.Asn832His)

Gene: ADNP (activity dependent neuroprotector homeobox; minus strand). Cytogenetic location: 20q13.13.
Variant type: single nucleotide variant.
Coding change: c.2494A>C on transcript NM_001282531.3 (MANE Select); coding-DNA position 2494, A replaced by C.
Protein change: p.Asn832His; replaces asparagine 832 with histidine.
Molecular consequence: missense variant.
Genome position (GRCh38, 1-based): chr20:50,892,220, T>G on the plus strand (A>C on the coding strand, the complement: ADNP is on the minus strand). VCF-style: chr20-50892220-T-G. GRCh37 (hg19) VCF-style: chr20-49508757-T-G.
Other names: c.2494A>C, p.Asn832His (NM_001282532.2, NM_001347511.2, NM_015339.5 and 1 more transcripts); short protein forms N832H.
Identifiers: ClinVar variation 2117188 (VCV002117188.4), dbSNP rs940568768, ClinGen allele CA408969334.
Genomic context (GRCh38, chr20:50,892,220, plus strand): 5'-TCTCATCATGATTTTCAAATAGCCACTCAGCATCAAAATCCATCTCATGCTTGACTTTAT[T>G]TAATTCTTTCATGTTAAACCCCAGCAACACGCCAGGCTTGTACTTTTCACAATCACGGAC-3'
Protein context (NP_001269460.1, residues 822-842): VLLGFNMKEL[Asn832His]KVKHEMDFDA

ClinVar aggregate classification (germline): Uncertain significance (1 of 4 stars; one submission).

gnomAD v4.1: 9 of 1,614,204 alleles (0.00056%); highest among the groups gnomAD compares: Non-Finnish European, 0.00076%; no homozygotes.

Submission:

Labcorp Genetics (formerly Invitae), Labcorp
Classification: Uncertain significance. Last evaluated: 2022-03-26. Review status: criteria provided, single submitter. Criteria: Invitae Variant Classification Sherloc (09022015). Collection method: clinical testing. Allele origin: germline.
Comment: In summary, the available evidence is currently insufficient to determine the role of this variant in disease. Therefore, it has been classified as a Variant of Uncertain Significance. Algorithms developed to predict the effect of missense changes on protein structure and function are either unavailable or do not agree on the potential impact of this missense change (SIFT: "Not Available"; PolyPhen-2: "Benign"; Align-GVGD: "Not Available"). This variant has not been reported in the literature in individuals affected with ADNP-related conditions. This variant is not present in population databases (gnomAD no frequency). This sequence change replaces asparagine, which is neutral and polar, with histidine, which is basic and polar, at codon 832 of the ADNP protein (p.Asn832His).